The following is an entry in ClinVar:

NC_000001.10:g.(?_193218850)_(193219852_?)dup

Gene: CDC73 (cell division cycle 73; plus strand). Cytogenetic location: 1q31.2.
Variant type: Duplication.
Identifiers: ClinVar variation 661742 (VCV000661742.2).

ClinVar aggregate classification (germline): Uncertain significance (1 of 4 stars; one submission).

Conditions:
Parathyroid carcinoma (PRTC). Also called: CDC73-Related Parathyroid Carcinoma; Parathyroid gland carcinoma. Identifiers: Orphanet 143, MedGen C0687150, MONDO:0012004, OMIM 608266, HP:0006780.

Submission:

Labcorp Genetics (formerly Invitae), Labcorp
Classification: Uncertain significance for Parathyroid carcinoma. Last evaluated: 2022-07-19. Review status: criteria provided, single submitter. Criteria: Invitae Variant Classification Sherloc (09022015). Collection method: clinical testing. Allele origin: germline.
Comment: This variant results in a copy number gain of the genomic region encompassing exon(s) 16-17 of the CDC73 gene. This region includes the termination codon of the gene. This copy number gain extends beyond the assayed region for this gene and therefore may encompass additional genes. As the precise location of this event is unknown, it may be in tandem or it may be located elsewhere in the genome. This variant has not been reported in the literature in individuals affected with CDC73-related conditions. In summary, the available evidence is currently insufficient to determine the role of this variant in disease. Therefore, it has been classified as a Variant of Uncertain Significance.